The following is an entry in ClinVar:

NM_000211.5(ITGB2):c.961G>A (p.Ala321Thr)

Gene: ITGB2 (integrin subunit beta 2; minus strand). Cytogenetic location: 21q22.3.
Variant type: single nucleotide variant.
Coding change: c.961G>A on transcript NM_000211.5 (MANE Select); coding-DNA position 961, G replaced by A.
Protein change: p.Ala321Thr; replaces alanine 321 with threonine.
Molecular consequence: missense variant.
Genome position (GRCh38, 1-based): chr21:44,899,099, C>T on the plus strand (G>A on the coding strand, the complement: ITGB2 is on the minus strand). VCF-style: chr21-44899099-C-T. GRCh37 (hg19) VCF-style: chr21-46319014-C-T.
Other names: p.Ala321Thr; c.961G>A, p.Ala321Thr (NM_001127491.3); c.754G>A, p.Ala252Thr (NM_001303238.2); short protein forms A321T, A252T.
Identifiers: ClinVar variation 967729 (VCV000967729.5), dbSNP rs377140902, ClinGen allele CA10062994.

ClinVar aggregate classification (germline): Uncertain significance. Review status: criteria provided, multiple submitters, no conflicts (2 of 4 stars). 2 submissions from 2 submitters: Uncertain significance (2). Last evaluated 2023-11-22.

Conditions:
Leukocyte adhesion deficiency 1 (LAD1). Also called: LAD 1; Lymphocyte function-associated antigen 1 immunodeficiency; LFA 1 immunodeficiency; LEUKOCYTE ADHESION DEFICIENCY, TYPE I. Identifiers: Orphanet 2968, Orphanet 99842, MedGen C0398738, MONDO:0007293, OMIM 116920.

Allele frequency attached by ClinVar (database versions not stated): gnomAD 0.00005; TOPMed 0.00005; ExAC 0.00006; ESP Exome Variant Server 0.00015; 1000 Genomes Project 0.00020; 1000 Genomes Project 30x 0.00031.
gnomAD v4.1: 163 of 1,614,174 alleles (0.01%); highest among the groups gnomAD compares: Non-Finnish European, 0.013%; no homozygotes.

Submissions (2):

Mayo Clinic Laboratories, Mayo Clinic
Classification: Uncertain significance. Last evaluated: 2023-11-22. Review status: criteria provided, single submitter. Criteria: ACMG Guidelines, 2015. Collection method: clinical testing. Allele origin: germline. Observed: 1 variant allele.
Comment: PP3, PM5

Labcorp Genetics (formerly Invitae), Labcorp
Classification: Uncertain significance for Leukocyte adhesion deficiency 1. Last evaluated: 2021-12-04. Review status: criteria provided, single submitter. Criteria: Invitae Variant Classification Sherloc (09022015). Collection method: clinical testing. Allele origin: germline.
Comment: This sequence change replaces alanine, which is neutral and non-polar, with threonine, which is neutral and polar, at codon 321 of the ITGB2 protein (p.Ala321Thr). This variant is present in population databases (rs377140902, gnomAD 0.01%). This variant has not been reported in the literature in individuals affected with ITGB2-related conditions. ClinVar contains an entry for this variant (Variation ID: 967729). Algorithms developed to predict the effect of missense changes on protein structure and function (SIFT, PolyPhen-2, Align-GVGD) all suggest that this variant is likely to be disruptive. In summary, the available evidence is currently insufficient to determine the role of this variant in disease. Therefore, it has been classified as a Variant of Uncertain Significance.

Literature cited by the submitters: PubMed 25703682 (cited by Mayo Clinic Laboratories, Mayo Clinic); PubMed 33391282 (cited by Mayo Clinic Laboratories, Mayo Clinic).